The following is an entry in ClinVar:

ClinVar aggregate classification (germline): Pathogenic (1 of 4 stars; one submission).

Allele frequency attached by ClinVar (database versions not stated): TOPMed below 0.00001.

Submission:

Labcorp Genetics (formerly Invitae), Labcorp
Classification: Pathogenic. Last evaluated: 2023-03-31. Review status: criteria provided, single submitter. Criteria: Invitae Variant Classification Sherloc (09022015). Collection method: clinical testing. Allele origin: germline.
Comment: This sequence change creates a premature translational stop signal (p.Trp1789*) in the CPLANE1 gene. It is expected to result in an absent or disrupted protein product. Loss-of-function variants in CPLANE1 are known to be pathogenic (PMID: 24178751, 26092869). This variant is not present in population databases (gnomAD no frequency). This variant has not been reported in the literature in individuals affected with CPLANE1-related conditions. For these reasons, this variant has been classified as Pathogenic.

Literature cited by the submitters: PubMed 24178751; PubMed 26092869.

NM_001384732.1(CPLANE1):c.5366G>A (p.Trp1789Ter)

Gene: CPLANE1 (ciliogenesis and planar polarity effector complex subunit 1; minus strand). Cytogenetic location: 5p13.2.
Variant type: single nucleotide variant.
Coding change: c.5366G>A on transcript NM_001384732.1 (MANE Select); coding-DNA position 5366, G replaced by A.
Protein change: p.Trp1789Ter; replaces tryptophan 1789 with a stop codon.
Molecular consequence: nonsense.
Genome position (GRCh38, 1-based): chr5:37,182,815, C>T on the plus strand (G>A on the coding strand, the complement: CPLANE1 is on the minus strand). VCF-style: chr5-37182815-C-T. GRCh37 (hg19) VCF-style: chr5-37182917-C-T.
Other names: c.5366G>A, p.Trp1789Ter (NM_023073.4); short protein forms W1789*.
Identifiers: ClinVar variation 2851201 (VCV002851201.3), dbSNP rs1288967589, ClinGen allele CA359491600.